The following is an entry in ClinVar:

NM_001379500.1(COL18A1):c.822C>T (p.Leu274=)

Gene: COL18A1 (collagen type XVIII alpha 1 chain; plus strand). Cytogenetic location: 21q22.3.
Variant type: single nucleotide variant.
Coding change: c.822C>T on transcript NM_001379500.1 (MANE Select); coding-DNA position 822, C replaced by T.
Protein change: p.Leu274=; no amino-acid change (leucine 274 retained).
Molecular consequence: synonymous variant.
Genome position (GRCh38, 1-based): chr21:45,476,374, C>T. VCF-style: chr21-45476374-C-T. GRCh37 (hg19) VCF-style: chr21-46896288-C-T.
Other names: c.1362C>T, p.Leu454= (NM_030582.4); c.2067C>T, p.Leu689= (NM_130444.3); c.1362C>T (NM_030582.3).
Identifiers: ClinVar variation 1108071 (VCV001108071.11), dbSNP rs763512330, ClinGen allele CA10065942.

ClinVar aggregate classification (germline): Likely benign. Review status: criteria provided, multiple submitters, no conflicts (2 of 4 stars). 3 submissions from 3 submitters: Likely benign (3). Last evaluated 2026-01-05.

Conditions:
COL18A1-related disorder. Also called: COL18A1-related disorders; COL18A1-related condition.

Allele frequency attached by ClinVar (database versions not stated): ExAC 0.00001; gnomAD 0.00002 and 0.00003; TOPMed 0.00002; gnomAD exomes 0.00004.
gnomAD v4.1: 165 of 1,613,998 alleles (0.01%); highest among the groups gnomAD compares: Non-Finnish European, 0.013%; no homozygotes.

Submissions (3):

Labcorp Genetics (formerly Invitae), Labcorp
Classification: Likely benign. Last evaluated: 2026-01-05. Review status: criteria provided, single submitter. Criteria: Invitae Variant Classification Sherloc (09022015). Collection method: clinical testing. Allele origin: germline.

PreventionGenetics, part of Exact Sciences
Classification: Likely benign for COL18A1-related condition. Last evaluated: 2025-08-14. Review status: criteria provided, single submitter. Criteria: ACMG Guidelines, 2015. Collection method: clinical testing. Allele origin: germline.
Comment: This variant is classified as likely benign based on ACMG/AMP sequence variant interpretation guidelines (Richards et al. 2015 PMID: 25741868, with internal and published modifications).

Blueprint Genetics
Classification: Likely benign. Last evaluated: 2023-06-26. Review status: criteria provided, single submitter. Criteria: ACMG Guidelines, 2015. Collection method: clinical testing. Allele origin: germline.